The following is an entry in ClinVar:

NM_005506.4(SCARB2):c.1118C>T (p.Thr373Ile)

Gene: SCARB2 (scavenger receptor class B member 2; minus strand). Cytogenetic location: 4q21.1.
Variant type: single nucleotide variant.
Coding change: c.1118C>T on transcript NM_005506.4 (MANE Select); coding-DNA position 1118, C replaced by T.
Protein change: p.Thr373Ile; replaces threonine 373 with isoleucine.
Molecular consequence: missense variant.
Genome position (GRCh38, 1-based): chr4:76,168,472, G>A on the plus strand (C>T on the coding strand, the complement: SCARB2 is on the minus strand). VCF-style: chr4-76168472-G-A. GRCh37 (hg19) VCF-style: chr4-77089625-G-A.
Other names: c.689C>T, p.Thr230Ile (NM_001204255.2); short protein forms T230I, T373I.
Identifiers: ClinVar variation 1437488 (VCV001437488.5), dbSNP rs1732061373, ClinGen allele CA357314382.

ClinVar aggregate classification (germline): Uncertain significance (1 of 4 stars; one submission).

Conditions:
Progressive myoclonic epilepsy. Also called: Familial progressive myoclonic epilepsy; Myoclonic Epilepsies, Progressive; Progressive myoclonus epilepsy; Myoclonus epilepsy. Identifiers: Orphanet 308, Orphanet 98261, MedGen C0751778, MONDO:0020074.

Allele frequency attached by ClinVar (database versions not stated): TOPMed below 0.00001; gnomAD exomes 0.00001.
gnomAD v4.1: 11 of 1,613,558 alleles (0.00068%); highest among the groups gnomAD compares: Non-Finnish European, 0.00085%; no homozygotes.

Submission:

Labcorp Genetics (formerly Invitae), Labcorp
Classification: Uncertain significance for Progressive myoclonic epilepsy. Last evaluated: 2021-08-31. Review status: criteria provided, single submitter. Criteria: Invitae Variant Classification Sherloc (09022015). Collection method: clinical testing. Allele origin: germline.
Comment: This sequence change replaces threonine with isoleucine at codon 373 of the SCARB2 protein (p.Thr373Ile). The threonine residue is highly conserved and there is a moderate physicochemical difference between threonine and isoleucine. This variant is not present in population databases (ExAC no frequency). This variant has not been reported in the literature in individuals affected with SCARB2-related conditions. Algorithms developed to predict the effect of missense changes on protein structure and function are either unavailable or do not agree on the potential impact of this missense change (SIFT: "Tolerated"; PolyPhen-2: "Possibly Damaging"; Align-GVGD: "Class C0"). In summary, the available evidence is currently insufficient to determine the role of this variant in disease. Therefore, it has been classified as a Variant of Uncertain Significance.